The following is an entry in ClinVar:

ClinVar aggregate classification (germline): Conflicting classifications of pathogenicity. Review status: criteria provided, conflicting classifications (1 of 4 stars). 3 submissions from 3 submitters: Likely pathogenic (1); Uncertain significance (2). Last evaluated 2024-11-27.

Conditions:
PDZD7-related disorder. Also called: PDZD7-related condition; PDZD7-related disorders.

Allele frequency attached by ClinVar (database versions not stated): 1000 Genomes Project 30x 0.00016; 1000 Genomes Project 0.00020.

Submissions (3):

Labcorp Genetics (formerly Invitae), Labcorp
Classification: Uncertain significance. Last evaluated: 2024-11-27. Review status: criteria provided, single submitter. Criteria: Invitae Variant Classification Sherloc (09022015). Collection method: clinical testing. Allele origin: germline.
Comment: This sequence change replaces arginine, which is basic and polar, with histidine, which is basic and polar, at codon 165 of the PDZD7 protein (p.Arg165His). This variant is present in population databases (rs149282897, gnomAD 0.003%). This variant has not been reported in the literature in individuals affected with PDZD7-related conditions. ClinVar contains an entry for this variant (Variation ID: 1328776). Invitae Evidence Modeling of protein sequence and biophysical properties (such as structural, functional, and spatial information, amino acid conservation, physicochemical variation, residue mobility, and thermodynamic stability) indicates that this missense variant is not expected to disrupt PDZD7 protein function with a negative predictive value of 80%. In summary, the available evidence is currently insufficient to determine the role of this variant in disease. Therefore, it has been classified as a Variant of Uncertain Significance.

Blueprint Genetics
Classification: Likely pathogenic for PDZD7-related disorders. Last evaluated: 2023-10-30. Review status: criteria provided, single submitter. Criteria: ACMG Guidelines, 2015. Collection method: clinical testing. Allele origin: germline. Affected: yes. Observed: 4 variant alleles.

GeneDx
Classification: Uncertain significance. Last evaluated: 2021-12-16. Review status: criteria provided, single submitter. Criteria: GeneDx Variant Classification Process June 2021. Collection method: clinical testing. Allele origin: germline. Affected: yes.
Comment: Not observed at a significant frequency in large population cohorts (Lek et al., 2016); In silico analysis supports that this missense variant has a deleterious effect on protein structure/function; Has not been previously published as pathogenic or benign to our knowledge

NM_001195263.2(PDZD7):c.494G>A (p.Arg165His)

Gene: PDZD7 (PDZ domain containing 7; minus strand). Cytogenetic location: 10q24.31.
Variant type: single nucleotide variant.
Coding change: c.494G>A on transcript NM_001195263.2 (MANE Select); coding-DNA position 494, G replaced by A.
Protein change: p.Arg165His; replaces arginine 165 with histidine.
Molecular consequence: missense variant.
Genome position (GRCh38, 1-based): chr10:101,023,484, C>T on the plus strand (G>A on the coding strand, the complement: PDZD7 is on the minus strand). VCF-style: chr10-101023484-C-T. GRCh37 (hg19) VCF-style: chr10-102783241-C-T.
Other names: c.494G>A, p.Arg165His (NM_001351044.2, NM_024895.5); short protein forms R165H.
Identifiers: ClinVar variation 1328776 (VCV001328776.8), dbSNP rs149282897, ClinGen allele CA5654369.